The following is an entry in ClinVar:

NM_000557.5(GDF5):c.*259G>C

Genes: GDF5 (growth differentiation factor 5; minus strand), GDF5-AS1 (GDF5 antisense RNA 1; plus strand). Cytogenetic location: 20q11.22.
Variant type: single nucleotide variant.
Coding change: c.*259G>C on transcript NM_000557.5 (MANE Select); 259 bases downstream of the stop codon, G replaced by C.
Molecular consequence: 3 prime UTR variant.
Genome position (GRCh38, 1-based): chr20:35,433,650, C>G on the plus strand (G>C on the coding strand, the complement: GDF5 is on the minus strand). VCF-style: chr20-35433650-C-G. GRCh37 (hg19) VCF-style: chr20-34021448-C-G.
Other names: c.*259G>C (NM_001319138.2).
Identifiers: ClinVar variation 895466 (VCV000895466.4), dbSNP rs150833046, ClinGen allele CA314131407.

ClinVar aggregate classification (germline): Conflicting classifications of pathogenicity. Review status: criteria provided, conflicting classifications (1 of 4 stars). 5 submissions from 1 submitter: Uncertain significance (3); Benign (2). Last evaluated 2018-01-12.

Conditions:
Brachydactyly. Also called: Brachydactyly (disease); Brachydactyly syndrome. Identifiers: MedGen C0221357, MONDO:0021004, HP:0001156.
Multiple synostoses syndrome 2 (SYNS2). Identifiers: Orphanet 3237, MedGen C1832708, MONDO:0012394, OMIM 610017.
Acromesomelic dysplasia 2B. Also called: DU PAN SYNDROME. Identifiers: Orphanet 2639, MedGen C1856738, MONDO:0009231, OMIM 228900.
Grebe syndrome. Also called: ACROMESOMELIC DYSPLASIA, GREBE TYPE; GREBE DYSPLASIA; ACROMESOMELIC DYSPLASIA 2A. Identifiers: Orphanet 2098, MedGen C0265260, MONDO:0008703, OMIM 200700.
Acromesomelic dysplasia 2C, Hunter-Thompson type. Also called: Acromesomelic dysplasia, Hunter-Thompson type. Identifiers: Orphanet 968, MedGen C2930970, MONDO:0008717, OMIM 201250.

Allele frequency attached by ClinVar (database versions not stated): gnomAD 0.00016 and 0.00025; TOPMed 0.00035; gnomAD exomes 0.00057; 1000 Genomes Project 0.00080.
gnomAD v4.1: 255 of 544,432 alleles (0.047%); highest among the groups gnomAD compares: East Asian, 0.74%; 5 homozygotes.

Submissions (5):

Illumina Laboratory Services, Illumina
Classification: Uncertain significance for Fibular hypoplasia and complex brachydactyly. Last evaluated: 2018-01-12. Review status: criteria provided, single submitter. Criteria: ICSL Variant Classification Criteria 13 December 2019. Collection method: clinical testing. Allele origin: germline.

Illumina Laboratory Services, Illumina
Classification: Benign for Multiple synostoses syndrome 2. Last evaluated: 2018-01-12. Review status: criteria provided, single submitter. Criteria: ICSL Variant Classification Criteria 13 December 2019. Collection method: clinical testing. Allele origin: germline.
Comment: This variant was observed in the ICSL laboratory as part of a predisposition screen in an ostensibly healthy population. It had not been previously curated by ICSL or reported in the Human Gene Mutation Database (HGMD: prior to June 1st, 2018), and was therefore a candidate for classification through an automated scoring system. Utilizing variant allele frequency, disease prevalence and penetrance estimates, and inheritance mode, an automated score was calculated to assess if this variant is too frequent to cause the disease. Based on the score and internal cut-off values, a variant classified as benign is not then subjected to further curation. The score for this variant resulted in a classification of benign for this disease.

Illumina Laboratory Services, Illumina
Classification: Uncertain significance for Grebe syndrome. Last evaluated: 2018-01-12. Review status: criteria provided, single submitter. Criteria: ICSL Variant Classification Criteria 13 December 2019. Collection method: clinical testing. Allele origin: germline.

Illumina Laboratory Services, Illumina
Classification: Benign for Brachydactyly. Last evaluated: 2018-01-12. Review status: criteria provided, single submitter. Criteria: ICSL Variant Classification Criteria 13 December 2019. Collection method: clinical testing. Allele origin: germline.
Comment: the same text as in the submission from Illumina Laboratory Services, Illumina above.

Illumina Laboratory Services, Illumina
Classification: Uncertain significance for Acromesomelic dysplasia 2C, Hunter-Thompson type. Last evaluated: 2018-01-12. Review status: criteria provided, single submitter. Criteria: ICSL Variant Classification Criteria 13 December 2019. Collection method: clinical testing. Allele origin: germline.